The following is an entry in ClinVar:

ClinVar aggregate classification (germline): Uncertain significance. Review status: criteria provided, multiple submitters, no conflicts (2 of 4 stars). 2 submissions from 2 submitters: Uncertain significance (2). Last evaluated 2025-12-16.

Conditions:
Inborn genetic diseases. Identifiers: MedGen C0950123, MeSH D030342.

gnomAD v4.1: 43 of 1,613,950 alleles (0.0027%); highest among the groups gnomAD compares: South Asian, 0.043%; 1 homozygote.

Submissions (2):

Labcorp Genetics (formerly Invitae), Labcorp
Classification: Uncertain significance. Last evaluated: 2025-12-16. Review status: criteria provided, single submitter. Criteria: Invitae Variant Classification Sherloc (09022015). Collection method: clinical testing. Allele origin: germline.
Comment: This sequence change replaces glycine, which is neutral and non-polar, with valine, which is neutral and non-polar, at codon 379 of the MBD4 protein (p.Gly379Val). This variant is present in population databases (rs766581428, gnomAD 0.06%). This variant has not been reported in the literature in individuals affected with MBD4-related conditions. ClinVar contains an entry for this variant (Variation ID: 3543788). An algorithm developed to predict the effect of missense changes on protein structure and function outputs the following: PolyPhen-2: "Possibly Damaging". The valine amino acid residue is found in multiple mammalian species, which suggests that this missense change does not adversely affect protein function. In summary, the available evidence is currently insufficient to determine the role of this variant in disease. Therefore, it has been classified as a Variant of Uncertain Significance.

Ambry Genetics
Classification: Uncertain significance for Inborn genetic diseases. Last evaluated: 2024-11-28. Review status: criteria provided, single submitter. Criteria: Ambry Variant Classification Scheme 2023. Collection method: clinical testing. Allele origin: germline.
Comment: The p.G379V variant (also known as c.1136G>T), located in coding exon 3 of the MBD4 gene, results from a G to T substitution at nucleotide position 1136. The glycine at codon 379 is replaced by valine, an amino acid with dissimilar properties. This amino acid position is conserved. In addition, this alteration is predicted to be tolerated by in silico analysis. Based on the available evidence, the clinical significance of this variant remains unclear.

NM_001276270.2(MBD4):c.1136G>T (p.Gly379Val)

Gene: MBD4 (methyl-CpG binding domain 4, DNA glycosylase; minus strand). Cytogenetic location: 3q21.3.
Variant type: single nucleotide variant.
Coding change: c.1136G>T on transcript NM_001276270.2 (MANE Select); coding-DNA position 1136, G replaced by T.
Protein change: p.Gly379Val; replaces glycine 379 with valine.
Molecular consequence: missense variant. On other transcripts: intron variant (1).
Genome position (GRCh38, 1-based): chr3:129,436,508, C>A on the plus strand (G>T on the coding strand, the complement: MBD4 is on the minus strand). VCF-style: chr3-129436508-C-A. GRCh37 (hg19) VCF-style: chr3-129155351-C-A.
Other names: c.1136G>T, p.Gly379Val (NM_001276271.2, NM_001276272.2, NM_003925.3); c.247+1300G>T (NM_001276273.2); short protein forms G379V.
Identifiers: ClinVar variation 3543788 (VCV003543788.3).